The following is an entry in ClinVar:

NM_001035.3(RYR2):c.2920A>G (p.Ser974Gly)

Gene: RYR2 (ryanodine receptor 2; plus strand). Cytogenetic location: 1q43.
Variant type: single nucleotide variant.
Coding change: c.2920A>G on transcript NM_001035.3 (MANE Select); coding-DNA position 2920, A replaced by G.
Protein change: p.Ser974Gly; replaces serine 974 with glycine.
Molecular consequence: missense variant.
Genome position (GRCh38, 1-based): chr1:237,548,444, A>G. VCF-style: chr1-237548444-A-G. GRCh37 (hg19) VCF-style: chr1-237711744-A-G.
Other names: short protein forms S974G.
Identifiers: ClinVar variation 2879970 (VCV002879970.3), dbSNP rs1670045546, ClinGen allele CA345393445.
Genomic context (GRCh38, chr1:237,548,444, plus strand): 5'-TATGAAAAGGCCAATTATACACAAATTTCTTTGTCTCTGATTTGTAGTTACCAGCTGACA[A>G]GTGGATACAAGCCTGCCCCTATGGACCTGAGCTTTATCAAACTCACCCCATCACAAGAAG-3'
Protein context (NP_001026.2, residues 964-984): MKLPKNYQLT[Ser974Gly]GYKPAPMDLS

ClinVar aggregate classification (germline): Uncertain significance (1 of 4 stars; one submission).

Conditions:
Catecholaminergic polymorphic ventricular tachycardia 1. Also called: RYR2-Related Catecholaminergic Polymorphic Ventricular Tachycardia; VENTRICULAR TACHYCARDIA, CATECHOLAMINERGIC POLYMORPHIC, 1, WITH OR WITHOUT ATRIAL DYSFUNCTION AND/OR DILATED CARDIOMYOPATHY; VENTRICULAR TACHYCARDIA, STRESS-INDUCED POLYMORPHIC 1. Identifiers: Orphanet 3286, MedGen C1631597, MONDO:0011484, OMIM 604772.

Submission:

Labcorp Genetics (formerly Invitae), Labcorp
Classification: Uncertain significance for Catecholaminergic polymorphic ventricular tachycardia 1. Last evaluated: 2023-09-21. Review status: criteria provided, single submitter. Criteria: Invitae Variant Classification Sherloc (09022015). Collection method: clinical testing. Allele origin: germline.
Comment: In summary, the available evidence is currently insufficient to determine the role of this variant in disease. Therefore, it has been classified as a Variant of Uncertain Significance. Advanced modeling of protein sequence and biophysical properties (such as structural, functional, and spatial information, amino acid conservation, physicochemical variation, residue mobility, and thermodynamic stability) performed at Invitae indicates that this missense variant is not expected to disrupt RYR2 protein function. This variant has not been reported in the literature in individuals affected with RYR2-related conditions. This variant is not present in population databases (gnomAD no frequency). This sequence change replaces serine, which is neutral and polar, with glycine, which is neutral and non-polar, at codon 974 of the RYR2 protein (p.Ser974Gly).